The following is an entry in ClinVar:

ClinVar aggregate classification (germline): Benign. Review status: criteria provided, multiple submitters, no conflicts (2 of 4 stars). 3 submissions from 3 submitters: Benign (2). 1 of the submissions does not count toward it. Last evaluated 2021-07-30.

Conditions:
Hearing loss, autosomal recessive 109. Also called: DEAFNESS, AUTOSOMAL RECESSIVE 109. Identifiers: MedGen C4693935, MONDO:0033202, OMIM 618013.
ESRP1-related disorder. Also called: ESRP1-related condition.

Allele frequency attached by ClinVar (database versions not stated): ESP Exome Variant Server 0.29312; gnomAD 0.29789 and 0.30962; TOPMed 0.30088; 1000 Genomes Project 30x 0.34088; 1000 Genomes Project 0.35244; gnomAD exomes 0.37813 and 0.40160; ExAC 0.40256.
gnomAD v4.1: 598,728 of 1,611,070 alleles (37%); highest among the groups gnomAD compares: East Asian, 56%; 116,692 homozygotes.

Submissions (3):

Genome-Nilou Lab
Classification: Benign for Hearing loss, autosomal recessive 109. Last evaluated: 2021-07-30. Review status: criteria provided, single submitter. Criteria: ACMG Guidelines, 2015. Collection method: clinical testing. Allele origin: germline. Affected: no.

Breakthrough Genomics
Classification: Benign. Review status: criteria provided, single submitter. Criteria: ACMG Guidelines, 2015. Collection method: not provided. Allele origin: germline. Inheritance: Autosomal recessive inheritance. Affected: yes.

PreventionGenetics, part of Exact Sciences
Classification: Benign for ESRP1-related condition. Last evaluated: 2019-10-17. Review status: no assertion criteria provided. Collection method: clinical testing. Allele origin: germline. Not counted in ClinVar's aggregate classification.
Comment: This variant is classified as benign based on ACMG/AMP sequence variant interpretation guidelines (Richards et al. 2015 PMID: 25741868, with internal and published modifications).

NM_017697.4(ESRP1):c.984C>T (p.Val328=)

Gene: ESRP1 (epithelial splicing regulatory protein 1; plus strand). Cytogenetic location: 8q22.1.
Variant type: single nucleotide variant.
Coding change: c.984C>T on transcript NM_017697.4 (MANE Select); coding-DNA position 984, C replaced by T.
Protein change: p.Val328=; no amino-acid change (valine 328 retained).
Molecular consequence: synonymous variant.
Genome position (GRCh38, 1-based): chr8:94,668,001, C>T. VCF-style: chr8-94668001-C-T. GRCh37 (hg19) VCF-style: chr8-95680229-C-T.
Other names: c.984C>T, p.Val328= (NM_001034915.3, NM_001122825.2, NM_001122826.2 and 1 more transcripts); c.984C>T (NM_017697.3).
Identifiers: ClinVar variation 1255395 (VCV001255395.6), dbSNP rs1549466, ClinGen allele CA4812184.
Genomic context (GRCh38, chr8:94,668,001, plus strand): 5'-TTCCCTAGGTACTTCCAATGAGGTAGCCCAGTTTCTCTCCAAGGAAAATCAAGTCATTGT[C>T]CGCATGCGGGGGCTCCCTTTCACGGCCACAGCTGAAGAAGTGGTGGCCTTCTTTGGACAG-3'
Protein context (NP_060167.2, residues 318-338): QFLSKENQVI[Val328=]RMRGLPFTAT